The following is an entry in ClinVar:

NM_138694.4(PKHD1):c.298dup (p.Ala100fs)

Gene: PKHD1 (PKHD1 ciliary IPT domain containing fibrocystin/polyductin; minus strand). Cytogenetic location: 6p12.2.
Variant type: Duplication.
Coding change: c.298dup on transcript NM_138694.4 (MANE Select); coding-DNA position 298, one base duplicated (G; older notation c.298dupG).
Protein change: p.Ala100fs; shifts the reading frame from alanine 100.
Molecular consequence: frameshift variant.
Genome position (GRCh38, 1-based): chr6:52,079,992, C duplicated on the plus strand (G on the coding strand, the reverse complement: PKHD1 is on the minus strand). VCF-style (leftmost placement, unchanged base first): chr6-52079991-G-GC. GRCh37 (hg19) VCF-style: chr6-51944789-G-GC.
Other names: c.298dup, p.Ala100fs (NM_170724.3); short protein forms A100fs.
Identifiers: ClinVar variation 5012448 (VCV005012448.1).

ClinVar aggregate classification (germline): Pathogenic (1 of 4 stars; one submission).

Conditions:
Polycystic kidney disease 4 (PKD4). Also called: POLYCYSTIC KIDNEY AND HEPATIC DISEASE 1; POLYCYSTIC KIDNEY DISEASE, INFANTILE, TYPE I; POLYCYSTIC KIDNEY DISEASE 4 WITH OR WITHOUT POLYCYSTIC LIVER DISEASE; PKD3; Autosomal Recessive Polycystic Kidney Disease – PKHD1. Identifiers: MedGen C4540575, MONDO:0033004, OMIM 263200.

Submission:

Myriad Genetics, Inc.
Classification: Pathogenic for Polycystic kidney disease 4. Last evaluated: 2023-10-31. Review status: criteria provided, single submitter. Criteria: Myriad Autosomal Dominant, Autosomal Recessive and X-Linked Classification Criteria (2023). Collection method: clinical testing. Allele origin: unknown.
Comment: NM_138694.3(PKHD1):c.298dupG(A100Gfs*3) is expected to be pathogenic in the context of autosomal recessive polycystic kidney disease, PKHD1-related. This variant is predicted to lead to an abnormal or absent protein product due to the creation of a premature termination codon in PKHD1, a gene where loss-of-function variants are known to be pathogenic. Please note: this variant was assessed in the context of healthy population screening.